The following is an entry in ClinVar:

NM_005857.5(ZMPSTE24):c.*59C>A

Gene: ZMPSTE24 (zinc metallopeptidase STE24; plus strand). Cytogenetic location: 1p34.2.
Variant type: single nucleotide variant.
Coding change: c.*59C>A on transcript NM_005857.5 (MANE Select); 59 bases downstream of the stop codon, C replaced by A.
Molecular consequence: 3 prime UTR variant.
Genome position (GRCh38, 1-based): chr1:40,292,728, C>A. VCF-style: chr1-40292728-C-A. GRCh37 (hg19) VCF-style: chr1-40758400-C-A.
Identifiers: ClinVar variation 297266 (VCV000297266.5), dbSNP rs193076795, ClinGen allele CA10609902.
Genomic context (GRCh38, chr1:40,292,728, plus strand): 5'-GAGATGTCCAGGATCTGTGACTGAAGACATTTCTGATTATTTCTGTCCTGGCAGCATGTT[C>A]CAGCTCTTGATGTTTTTAAACTTTTTTTTAGAAGAAAAATTAAGTACAGAAAAGCCCAGA-3'

ClinVar aggregate classification (germline): Benign. Review status: criteria provided, single submitter (1 of 4 stars). 2 submissions from 1 submitter: Benign (2). Last evaluated 2018-01-13.

Conditions:
Lethal tight skin contracture syndrome. Also called: Restrictive dermopathy; RESTRICTIVE DERMOPATHY, LETHAL; FETAL HYPOKINESIA SEQUENCE DUE TO RESTRICTIVE DERMOPATHY; HYPERKERATOSIS-CONTRACTURE SYNDROME. Identifiers: Orphanet 1662, MedGen C0406585, MONDO:0031213.
Mandibuloacral dysplasia with type B lipodystrophy (MADB). Also called: LIPODYSTROPHY, TYPE B, ASSOCIATED WITH MANDIBULOACRAL DYSPLASIA. Identifiers: Orphanet 2457, Orphanet 90154, MedGen C1837756, MONDO:0012074, OMIM 608612.

Allele frequency attached by ClinVar (database versions not stated): gnomAD 0.00542 and 0.00570; TOPMed 0.00572; 1000 Genomes Project 0.00779; 1000 Genomes Project 30x 0.00999.
gnomAD v4.1: 1,750 of 1,535,116 alleles (0.11%); highest among the groups gnomAD compares: African/African-American, 1.7%; 18 homozygotes.

Submissions (2):

Illumina Laboratory Services, Illumina
Classification: Benign for Mandibuloacral dysplasia with type B lipodystrophy. Last evaluated: 2018-01-13. Review status: criteria provided, single submitter. Criteria: ICSL Variant Classification Criteria 13 December 2019. Collection method: clinical testing. Allele origin: germline.
Comment: This variant was observed in the ICSL laboratory as part of a predisposition screen in an ostensibly healthy population. It had not been previously curated by ICSL or reported in the Human Gene Mutation Database (HGMD: prior to June 1st, 2018), and was therefore a candidate for classification through an automated scoring system. Utilizing variant allele frequency, disease prevalence and penetrance estimates, and inheritance mode, an automated score was calculated to assess if this variant is too frequent to cause the disease. Based on the score and internal cut-off values, a variant classified as benign is not then subjected to further curation. The score for this variant resulted in a classification of benign for this disease.

Illumina Laboratory Services, Illumina
Classification: Benign for Restrictive dermopathy 1. Last evaluated: 2018-01-13. Review status: criteria provided, single submitter. Criteria: ICSL Variant Classification Criteria 13 December 2019. Collection method: clinical testing. Allele origin: germline.
Comment: the same text as in the submission from Illumina Laboratory Services, Illumina above.